The following is an entry in ClinVar:

ClinVar aggregate classification (germline): Uncertain significance (1 of 4 stars; one submission).

Conditions:
RYR1-related disorder. Also called: RYR1-related condition; RYR1-related disorders. Identifiers: MedGen CN239331.

Submission:

Labcorp Genetics (formerly Invitae), Labcorp
Classification: Uncertain significance for RYR1-related disorder. Last evaluated: 2023-06-14. Review status: criteria provided, single submitter. Criteria: Invitae Variant Classification Sherloc (09022015). Collection method: clinical testing. Allele origin: germline.
Comment: This sequence change falls in intron 38 of the RYR1 gene. It does not directly change the encoded amino acid sequence of the RYR1 protein. It affects a nucleotide within the consensus splice site. This variant is not present in population databases (gnomAD no frequency). This variant has not been reported in the literature in individuals affected with RYR1-related conditions. Variants that disrupt the consensus splice site are a relatively common cause of aberrant splicing (PMID: 17576681, 9536098). Algorithms developed to predict the effect of sequence changes on RNA splicing suggest that this variant is not likely to affect RNA splicing. In summary, the available evidence is currently insufficient to determine the role of this variant in disease. Therefore, it has been classified as a Variant of Uncertain Significance.

Literature cited by the submitters: PubMed 17576681; PubMed 9536098.

NM_000540.3(RYR1):c.6274+6G>C

Gene: RYR1 (ryanodine receptor 1; plus strand). Cytogenetic location: 19q13.2.
Variant type: single nucleotide variant.
Coding change: c.6274+6G>C on transcript NM_000540.3 (MANE Select); 6 bases into the intron after coding-DNA position 6274, G replaced by C.
Molecular consequence: intron variant.
Genome position (GRCh38, 1-based): chr19:38,492,642, G>C. VCF-style: chr19-38492642-G-C. GRCh37 (hg19) VCF-style: chr19-38983282-G-C.
Other names: c.6274+6G>C (NM_001042723.2).
Identifiers: ClinVar variation 2960228 (VCV002960228.3), dbSNP rs2514265604, ClinGen allele CA2584898815.
Genomic context (GRCh38, chr19:38,492,642, plus strand): 5'-AAGAAGAAGGAAGAGAAACCTGAGGAGGAGCGGTCAGCAGAGGAGAGCAAACCCCGTGAG[G>C]ACTGGGGTCACTGGGGAGAGGGCAGGGGTGGGGTGGGTAGCCCCATGCCTGCGGAGCCTC-3'